The following is an entry in ClinVar:

ClinVar aggregate classification (germline): Uncertain significance (1 of 4 stars; one submission).

Conditions:
Hereditary diffuse gastric adenocarcinoma (HDGC). Also called: DIFFUSE GASTRIC AND LOBULAR BREAST CANCER SYNDROME. Identifiers: Orphanet 26106, MedGen C1708349, MONDO:0007648, OMIM 137215.

Submission:

European Reference Network on Genetic Tumour Risk Syndromes (ERN-GENTURIS), i3s - Instituto de Investigação e Inovação em Saúde, University of Porto
Classification: Uncertain significance for Hereditary diffuse gastric adenocarcinoma. Last evaluated: 2022-08-01. Review status: criteria provided, single submitter. Criteria: Lee et al. (Hum Mutat. 2018). Collection method: clinical testing. Allele origin: germline. Inheritance: Autosomal dominant inheritance. Affected: no. Study: ERN GENTURIS.
Comment: PM2 (PMID: 30311375)

Literature cited by the submitters: PubMed 36436516.

NM_004360.5(CDH1):c.2439+45C>G

Gene: CDH1 (cadherin 1; plus strand). Cytogenetic location: 16q22.1.
Variant type: single nucleotide variant.
Coding change: c.2439+45C>G on transcript NM_004360.5 (MANE Select); 45 bases into the intron after coding-DNA position 2439, C replaced by G.
Molecular consequence: intron variant.
Genome position (GRCh38, 1-based): chr16:68,829,842, C>G. VCF-style: chr16-68829842-C-G. GRCh37 (hg19) VCF-style: chr16-68863745-C-G.
Other names: c.891+45C>G (NM_001317185.2); c.474+45C>G (NM_001317186.2); c.2256+45C>G (NM_001317184.2).
Identifiers: ClinVar variation 2503005 (VCV002503005.1), dbSNP rs1344736050, ClinGen allele CA2580612829.
Genomic context (GRCh38, chr16:68,829,842, plus strand): 5'-AAATTTTATTGATGAAGTAAGTAATCCACGTGGAAAGCCAAAGCATGGCTCATCTCTAAG[C>G]TCAGGAGGAGTTGTGTCAAAAATGAGAAAAAGAGTCTTTAGATTCTTTCCTTTACTATGT-3'